The following is an entry in ClinVar:

ClinVar aggregate classification (germline): Uncertain significance (1 of 4 stars; one submission).

Conditions:
Nemaline myopathy 10 (NEM10). Identifiers: MedGen C4015360, MONDO:0014513, OMIM 616165.

Submission:

Labcorp Genetics (formerly Invitae), Labcorp
Classification: Uncertain significance for Nemaline myopathy 10. Last evaluated: 2024-04-08. Review status: criteria provided, single submitter. Criteria: Invitae Variant Classification Sherloc (09022015). Collection method: clinical testing. Allele origin: germline.
Comment: This variant, c.441_446del, results in the deletion of 2 amino acid(s) of the LMOD3 protein (p.Asp147_Glu148del), but otherwise preserves the integrity of the reading frame. This variant is not present in population databases (gnomAD no frequency). This variant has not been reported in the literature in individuals affected with LMOD3-related conditions. Experimental studies and prediction algorithms are not available or were not evaluated, and the functional significance of this variant is currently unknown. In summary, the available evidence is currently insufficient to determine the role of this variant in disease. Therefore, it has been classified as a Variant of Uncertain Significance.

NM_198271.5(LMOD3):c.441_446del (p.Asp147_Glu148del)

Gene: LMOD3 (leiomodin 3; minus strand). Cytogenetic location: 3p14.1.
Variant type: Deletion.
Coding change: c.441_446del on transcript NM_198271.5 (MANE Select); coding-DNA positions 441 to 446, 6 bases deleted (TGAAGA; older notation c.441_446delTGAAGA).
Protein change: p.Asp147_Glu148del.
Genome position (GRCh38, 1-based): chr3:69,119,909-69,119,914, TCTTCA deleted on the plus strand (TGAAGA on the coding strand, the reverse complement: LMOD3 is on the minus strand); deleting any 6 consecutive bases within chr3:69,119,909-69,119,919 gives the same sequence; the c. name uses the placement nearest the transcript's 3' end. VCF-style (leftmost placement, unchanged base first): chr3-69119908-TTCTTCA-T. GRCh37 (hg19) VCF-style: chr3-69169059-TTCTTCA-T.
Other names: c.441_446del, p.Asp147_Glu148del (NM_001304418.3).
Identifiers: ClinVar variation 3667935 (VCV003667935.2).